The following is an entry in ClinVar:

NM_000937.5(POLR2A):c.4706C>T (p.Pro1569Leu)

Gene: POLR2A (RNA polymerase II subunit A; plus strand). Cytogenetic location: 17p13.1.
Variant type: single nucleotide variant.
Coding change: c.4706C>T on transcript NM_000937.5 (MANE Select); coding-DNA position 4706, C replaced by T.
Protein change: p.Pro1569Leu; replaces proline 1569 with leucine.
Molecular consequence: missense variant.
Genome position (GRCh38, 1-based): chr17:7,512,873, C>T. VCF-style: chr17-7512873-C-T. GRCh37 (hg19) VCF-style: chr17-7416192-C-T.
Other names: short protein forms P1569L.
Identifiers: ClinVar variation 2187329 (VCV002187329.4), dbSNP rs762826713, ClinGen allele CA8350384.

ClinVar aggregate classification (germline): Uncertain significance (1 of 4 stars; one submission).

Allele frequency attached by ClinVar (database versions not stated): ExAC 0.00001; gnomAD exomes 0.00001.

Submission:

Labcorp Genetics (formerly Invitae), Labcorp
Classification: Uncertain significance. Last evaluated: 2022-07-25. Review status: criteria provided, single submitter. Criteria: Invitae Variant Classification Sherloc (09022015). Collection method: clinical testing. Allele origin: germline.
Comment: Algorithms developed to predict the effect of missense changes on protein structure and function are either unavailable or do not agree on the potential impact of this missense change (SIFT: "Deleterious"; PolyPhen-2: "Benign"; Align-GVGD: "Class C0"). In summary, the available evidence is currently insufficient to determine the role of this variant in disease. Therefore, it has been classified as a Variant of Uncertain Significance. This missense change has been observed in individual(s) with a neurodevelopmental disorder (Invitae). This variant is present in population databases (rs762826713, gnomAD 0.002%). This sequence change replaces proline, which is neutral and non-polar, with leucine, which is neutral and non-polar, at codon 1569 of the POLR2A protein (p.Pro1569Leu).